The following is an entry in ClinVar:

NM_000876.4(IGF2R):c.6657C>T (p.Asp2219=)

Gene: IGF2R (insulin like growth factor 2 receptor; plus strand). Cytogenetic location: 6q25.3.
Variant type: single nucleotide variant.
Coding change: c.6657C>T on transcript NM_000876.4 (MANE Select); coding-DNA position 6657, C replaced by T.
Protein change: p.Asp2219=; no amino-acid change (aspartic acid 2219 retained).
Molecular consequence: synonymous variant.
Genome position (GRCh38, 1-based): chr6:160,096,440, C>T. VCF-style: chr6-160096440-C-T. GRCh37 (hg19) VCF-style: chr6-160517472-C-T.
Identifiers: ClinVar variation 218472 (VCV000218472.28), dbSNP rs8191933, ClinGen allele CA249401.

ClinVar aggregate classification (germline): Benign/Likely benign. Review status: criteria provided, multiple submitters, no conflicts (2 of 4 stars). 3 submissions from 3 submitters: Benign (2); Likely benign (1). Last evaluated 2023-01-01.

Allele frequency attached by ClinVar (database versions not stated): 1000 Genomes Project 30x 0.00375; 1000 Genomes Project 0.00379; ExAC 0.00542; gnomAD exomes 0.00546 and 0.00796; gnomAD 0.00610 and 0.00667; TOPMed 0.00638; ESP Exome Variant Server 0.00723.

Submissions (3):

CeGaT Center for Human Genetics Tuebingen
Classification: Likely benign. Last evaluated: 2023-01-01. Review status: criteria provided, single submitter. Criteria: CeGaT Center For Human Genetics Tuebingen Variant Classification Criteria Version 2. Collection method: clinical testing. Allele origin: germline. Affected: yes. Observed: 1 variant allele.
Comment: IGF2R: BP4, BP7, BS2

Labcorp Genetics (formerly Invitae), Labcorp
Classification: Benign. Last evaluated: 2018-08-17. Review status: criteria provided, single submitter. Criteria: Invitae Variant Classification Sherloc (09022015). Collection method: clinical testing. Allele origin: germline.

Genomic Diagnostic Laboratory, Division of Genomic Diagnostics, Children's Hospital of Philadelphia
Classification: Benign. Last evaluated: 2015-07-22. Review status: criteria provided, single submitter. Criteria: DGD Variant Analysis Guidelines. Collection method: clinical testing. Allele origin: unknown.